The following is an entry in ClinVar:

NM_000552.5(VWF):c.1588A>G (p.Asn530Asp)

Gene: VWF (von Willebrand factor; minus strand). Cytogenetic location: 12p13.31.
Variant type: single nucleotide variant.
Coding change: c.1588A>G on transcript NM_000552.5 (MANE Select); coding-DNA position 1588, A replaced by G.
Protein change: p.Asn530Asp; replaces asparagine 530 with aspartic acid.
Molecular consequence: missense variant.
Genome position (GRCh38, 1-based): chr12:6,057,990, T>C on the plus strand (A>G on the coding strand, the complement: VWF is on the minus strand). VCF-style: chr12-6057990-T-C. GRCh37 (hg19) VCF-style: chr12-6167156-T-C.
Other names: c.1588A>G (NM_000552.3); short protein forms N530D.
Identifiers: ClinVar variation 501661 (VCV000501661.6), dbSNP rs1555198437, ClinGen allele CA383498298.

ClinVar aggregate classification (germline): Uncertain significance. Review status: criteria provided, multiple submitters, no conflicts (2 of 4 stars). 2 submissions from 2 submitters: Uncertain significance (2). Last evaluated 2023-04-07.

Submissions (2):

GeneDx
Classification: Uncertain significance. Last evaluated: 2023-04-07. Review status: criteria provided, single submitter. Criteria: GeneDx Variant Classification Process June 2021. Collection method: clinical testing. Allele origin: germline. Affected: yes.
Comment: Not observed at significant frequency in large population cohorts (gnomAD); In silico analysis supports that this missense variant has a deleterious effect on protein structure/function; Has not been previously published as pathogenic or benign to our knowledge

Eurofins Ntd Llc (ga)
Classification: Uncertain significance. Last evaluated: 2017-04-28. Review status: criteria provided, single submitter. Criteria: EGL Classification Definitions 2015. Collection method: clinical testing. Allele origin: germline. Observed: 1 variant allele, 1 heterozygote.